The following is an entry in ClinVar:

NM_001256012.3(MYH10):c.5835C>T (p.Asn1945=)

Genes: MYH10 (myosin heavy chain 10; minus strand), LOC125177414 (Sharpr-MPRA regulatory region 9669; plus strand). Cytogenetic location: 17p13.1.
Variant type: single nucleotide variant.
Coding change: c.5835C>T on transcript NM_001256012.3 (MANE Select); coding-DNA position 5835, C replaced by T.
Protein change: p.Asn1945=; no amino-acid change (asparagine 1945 retained).
Molecular consequence: synonymous variant.
Genome position (GRCh38, 1-based): chr17:8,476,920, G>A on the plus strand (C>T on the coding strand, the complement: MYH10 is on the minus strand). VCF-style: chr17-8476920-G-A. GRCh37 (hg19) VCF-style: chr17-8380238-G-A.
Other names: c.5769C>T, p.Asn1923= (NM_001256095.2); c.5772C>T, p.Asn1924= (NM_001375266.1); c.5742C>T, p.Asn1914= (NM_005964.5).
Identifiers: ClinVar variation 3041192 (VCV003041192.2), dbSNP rs559417728, ClinGen allele CA8376686.
Genomic context (GRCh38, chr17:8,476,920, plus strand): 5'-CCGCATGCCTGCTCACCTCAGCCGGTTCTTCAGGGTGCTGACCTCGCGGCTCAGGCCCTC[G>A]TTGGCCTCGGTGGCATCATCCAGTTCCCGCTGGAGTTTACGCCGAGATGCGTTGGCACGC-3'
Protein context (NP_001242941.1, residues 1935-1955): QRELDDATEA[Asn1945=]EGLSREVSTL

ClinVar aggregate classification (germline): Likely benign (0 of 4 stars; one submission).

Conditions:
MYH10-related disorder. Also called: MYH10-related condition.

Allele frequency attached by ClinVar (database versions not stated): gnomAD 0.00004; ExAC 0.00008; 1000 Genomes Project 0.00040; 1000 Genomes Project 30x 0.00047.
gnomAD v4.1: 65 of 1,613,020 alleles (0.004%); highest among the groups gnomAD compares: South Asian, 0.055%; no homozygotes.

Submission:

PreventionGenetics, part of Exact Sciences
Classification: Likely benign for MYH10-related condition. Last evaluated: 2019-05-08. Review status: no assertion criteria provided. Collection method: clinical testing. Allele origin: germline.
Comment: This variant is classified as likely benign based on ACMG/AMP sequence variant interpretation guidelines (Richards et al. 2015 PMID: 25741868, with internal and published modifications).